The following is an entry in ClinVar:

NM_025265.4(TSEN2):c.835G>T (p.Val279Leu)

Gene: TSEN2 (tRNA splicing endonuclease subunit 2; plus strand). Cytogenetic location: 3p25.2.
Variant type: single nucleotide variant.
Coding change: c.835G>T on transcript NM_025265.4 (MANE Select); coding-DNA position 835, G replaced by T.
Protein change: p.Val279Leu; replaces valine 279 with leucine.
Molecular consequence: missense variant. On other transcripts: non-coding transcript variant (1), intron variant (2).
Genome position (GRCh38, 1-based): chr3:12,505,157, G>T. VCF-style: chr3-12505157-G-T. GRCh37 (hg19) VCF-style: chr3-12546656-G-T.
Other names: c.835G>T, p.Val279Leu (NM_001145392.2, NM_001321277.2, NM_001321278.2); c.658G>T, p.Val220Leu (NM_001145394.2); c.831+1373G>T (NM_001321279.2, NM_001145393.3); short protein forms V220L, V279L.
Identifiers: ClinVar variation 1965009 (VCV001965009.5), dbSNP rs2471543650, ClinGen allele CA351472859.
Genomic context (GRCh38, chr3:12,505,157, plus strand): 5'-TCTATGACATGTAGTGCTTCCATTTGTTCTGTATATATTGTATTTCTTTCTCTTTAGTTG[G>T]TGCAAAGAAACAGGTTAATATGCAGAAGAAATCCATATAGGATCTTTGAGTATTTGCAAC-3'
Protein context (NP_079541.1, residues 269-289): EREAAPNEEL[Val279Leu]QRNRLICRRN

ClinVar aggregate classification (germline): Uncertain significance (1 of 4 stars; one submission).

Submission:

Labcorp Genetics (formerly Invitae), Labcorp
Classification: Uncertain significance. Last evaluated: 2022-08-23. Review status: criteria provided, single submitter. Criteria: Invitae Variant Classification Sherloc (09022015). Collection method: clinical testing. Allele origin: germline.
Comment: In summary, the available evidence is currently insufficient to determine the role of this variant in disease. Therefore, it has been classified as a Variant of Uncertain Significance. Algorithms developed to predict the effect of missense changes on protein structure and function output the following: SIFT: "Tolerated"; PolyPhen-2: "Benign"; Align-GVGD: "Class C0". The leucine amino acid residue is found in multiple mammalian species, which suggests that this missense change does not adversely affect protein function. This variant has not been reported in the literature in individuals affected with TSEN2-related conditions. This variant is not present in population databases (gnomAD no frequency). This sequence change replaces valine, which is neutral and non-polar, with leucine, which is neutral and non-polar, at codon 279 of the TSEN2 protein (p.Val279Leu).